The following is an entry in ClinVar:

NM_001004334.4(GPR179):c.4924A>C (p.Ile1642Leu)

Gene: GPR179 (G protein-coupled receptor 179; minus strand). Cytogenetic location: 17q12.
Variant type: single nucleotide variant.
Coding change: c.4924A>C on transcript NM_001004334.4 (MANE Select); coding-DNA position 4924, A replaced by C.
Protein change: p.Ile1642Leu; replaces isoleucine 1642 with leucine.
Molecular consequence: missense variant.
Genome position (GRCh38, 1-based): chr17:38,328,645, T>G on the plus strand (A>C on the coding strand, the complement: GPR179 is on the minus strand). VCF-style: chr17-38328645-T-G. GRCh37 (hg19) VCF-style: chr17-36484528-T-G.
Other names: short protein forms I1642L.
Identifiers: ClinVar variation 1358425 (VCV001358425.8), dbSNP rs1299563535, ClinGen allele CA398874285.

ClinVar aggregate classification (germline): Uncertain significance (1 of 4 stars; one submission).

Allele frequency attached by ClinVar (database versions not stated): gnomAD exomes below 0.00001.
gnomAD v4.1: 1 of 1,614,180 alleles (0.000062%); highest among the groups gnomAD compares: Non-Finnish European, 0.000085%; no homozygotes.

Submission:

Labcorp Genetics (formerly Invitae), Labcorp
Classification: Uncertain significance. Last evaluated: 2022-07-06. Review status: criteria provided, single submitter. Criteria: Invitae Variant Classification Sherloc (09022015). Collection method: clinical testing. Allele origin: germline.
Comment: ClinVar contains an entry for this variant (Variation ID: 1358425). In summary, the available evidence is currently insufficient to determine the role of this variant in disease. Therefore, it has been classified as a Variant of Uncertain Significance. Algorithms developed to predict the effect of missense changes on protein structure and function output the following: SIFT: "Tolerated"; PolyPhen-2: "Benign"; Align-GVGD: "Class C0". The leucine amino acid residue is found in multiple mammalian species, which suggests that this missense change does not adversely affect protein function. This variant has not been reported in the literature in individuals affected with GPR179-related conditions. This variant is not present in population databases (gnomAD no frequency). This sequence change replaces isoleucine, which is neutral and non-polar, with leucine, which is neutral and non-polar, at codon 1642 of the GPR179 protein (p.Ile1642Leu).